The following is an entry in ClinVar:

ClinVar aggregate classification (germline): Likely pathogenic (1 of 4 stars; one submission).

Conditions:
Polysyndactyly 4. Also called: Polysyndactyly uncomplicated; Preaxial polydactyly 4. Identifiers: Orphanet 93338, MedGen C1868111, MONDO:0008272, OMIM 174700.
Greig cephalopolysyndactyly syndrome (GCPS). Also called: Greig syndrome; GLI3-Related Greig Cephalopolysyndactyly Syndrome; POLYSYNDACTYLY WITH PECULIAR SKULL SHAPE. Identifiers: Orphanet 380, MedGen C0265306, MONDO:0008287, OMIM 175700.
Polydactyly, postaxial, type A1. Identifiers: MedGen C4282400, MONDO:0008266, OMIM 174200.
Pallister-Hall syndrome (PHS). Also called: GLI3-Related Pallister-Hall Syndrome; HYPOTHALAMIC HAMARTOBLASTOMA, HYPOPITUITARISM, IMPERFORATE ANUS, AND POSTAXIAL POLYDACTYLY. Identifiers: Orphanet 672, MedGen C0265220, MONDO:0007804, OMIM 146510.

Submission:

Molecular Genetics Department, Kulakov National Medical Research Center for Obstetrics, Gynecology and Perinatology
Classification: Likely pathogenic for Greig cephalopolysyndactyly syndrome; Pallister-Hall syndrome; Polydactyly, postaxial, type A1; Polysyndactyly 4. Review status: criteria provided, single submitter. Criteria: ACMG Guidelines, 2015. Collection method: clinical testing. Allele origin: germline. Affected: yes.
Comment: A previously undescribed nucleotide variant creates a frameshift p.Gly961CysfsTer44 in the GLI3 gene. Loss-of-function variants are reported in patients with Greig cephalopolysyndactyly syndrome, 175700, Pallister-Hall syndrome, 146510, Polydactyly, postaxial, types A1 and B, 174200, Polydactyly, preaxial, type IV, 174700. The variant is not present in population database (gnomAD no frequency). In summary, the currently available evidence indicates that the variant is pathogenic, but additional data are needed to prove that conclusively. Therefore, this variant has been classified as likely pathogenic.

NM_000168.6(GLI3):c.2876_2880dup (p.Gly961fs)

Gene: GLI3 (GLI family zinc finger 3; minus strand). Cytogenetic location: 7p14.1.
Variant type: Duplication.
Coding change: c.2876_2880dup on transcript NM_000168.6 (MANE Select); coding-DNA positions 2876 to 2880, 5 bases duplicated (TGCTC; older notation c.2876_2880dupTGCTC).
Protein change: p.Gly961fs; shifts the reading frame from glycine 961.
Molecular consequence: frameshift variant.
Genome position (GRCh38, 1-based): chr7:41,966,193-41,966,197, GAGCA duplicated on the plus strand (TGCTC on the coding strand, the reverse complement: GLI3 is on the minus strand); duplicating any 5 consecutive bases within chr7:41,966,193-41,966,198 gives the same sequence; the c. name uses the placement nearest the transcript's 3' end. VCF-style (leftmost placement, unchanged base first): chr7-41966192-C-CGAGCA. GRCh37 (hg19) VCF-style: chr7-42005790-C-CGAGCA.
Other names: short protein forms G961fs.
Identifiers: ClinVar variation 3062311 (VCV003062311.1), dbSNP rs2484378113, ClinGen allele CA2740097348.
Genomic context (GRCh38, chr7:41,966,192, plus strand): 5'-CGCTGCACCTCCTCGGGGCATGAACTGGAGGCAGGGCCACGCCAGGCTCGAGGGCATCCC[C>CGAGCA]GAGCAGCGCCAGGCGCGTCTTCAGGCTCATCCTCTCCATGTTGGGCAGGGGCGTCGGCGG-3'